The following is an entry in ClinVar:

NM_153676.4(USH1C):c.2377C>T (p.His793Tyr)

Gene: USH1C (USH1 protein network component harmonin; minus strand). Cytogenetic location: 11p15.1.
Variant type: single nucleotide variant.
Coding change: c.2377C>T on transcript NM_153676.4 (MANE Select); coding-DNA position 2377, C replaced by T.
Protein change: p.His793Tyr; replaces histidine 793 with tyrosine.
Molecular consequence: missense variant. On other transcripts: non-coding transcript variant (1).
Genome position (GRCh38, 1-based): chr11:17,501,054, G>A on the plus strand (C>T on the coding strand, the complement: USH1C is on the minus strand). VCF-style: chr11-17501054-G-A. GRCh37 (hg19) VCF-style: chr11-17522601-G-A.
Other names: c.2377C>T (NM_153676.3); c.1420C>T, p.His474Tyr (NM_001297764.2); c.1477C>T, p.His493Tyr (NM_005709.4); short protein forms H793Y, H474Y, H493Y.
Identifiers: ClinVar variation 929922 (VCV000929922.17), dbSNP rs372227474, ClinGen allele CA5904201.

ClinVar aggregate classification (germline): Uncertain significance. Review status: criteria provided, multiple submitters, no conflicts (2 of 4 stars). 9 submissions from 9 submitters: Uncertain significance (7). 2 of the submissions do not count toward it. Last evaluated 2026-03-28.

Conditions:
Inborn genetic diseases. Identifiers: MedGen C0950123, MeSH D030342.
Usher syndrome type 1 (USH1). Also called: RETINITIS PIGMENTOSA AND CONGENITAL DEAFNESS. Identifiers: Orphanet 231169, Orphanet 886, MedGen C1568247, MONDO:0010168, OMIM 276900.
Autosomal recessive nonsyndromic hearing loss 18A. Also called: Deafness, autosomal recessive 18A; DEAFNESS, AUTOSOMAL RECESSIVE 18. Identifiers: Orphanet 90636, MedGen C1865870, MONDO:0011192, OMIM 602092.
Usher syndrome type 1C. Also called: USHER SYNDROME, TYPE I, ACADIAN VARIETY. Identifiers: Orphanet 231169, Orphanet 886, MedGen C1848604, MONDO:0010171, OMIM 276904.
Retinal dystrophy. Also called: Inherited retinal dystrophy. Identifiers: Orphanet 71862, MedGen C0854723, MeSH D058499, MONDO:0019118, HP:0000556.
USH1C-related disorder. Also called: USH1C-related condition.

Allele frequency attached by ClinVar (database versions not stated): gnomAD 0.00004 and 0.00005; ExAC 0.00005; gnomAD exomes 0.00005; TOPMed 0.00005; ESP Exome Variant Server 0.00008.
gnomAD v4.1: 90 of 1,613,278 alleles (0.0056%); highest among the groups gnomAD compares: Middle Eastern, 0.41%; no homozygotes.

Submissions (9):

PreventionGenetics, part of Exact Sciences
Classification: Uncertain significance for USH1C-related condition. Last evaluated: 2026-03-28. Review status: criteria provided, single submitter. Criteria: ACMG Guidelines, 2015. Collection method: clinical testing. Allele origin: germline.
Comment: The USH1C c.2377C>T variant is predicted to result in the amino acid substitution p.His793Tyr. This variant was previously reported in an individual with hearing loss; however, a second potentially causative variant in the same gene was not identified (reported as p.His493Tyr in Tlili et al. 2024. PubMed ID: 38844983). This variant is reported in 0.012% of alleles in individuals of European (Non-Finnish) descent in gnomAD. At this time, the clinical significance of this variant is uncertain due to the absence of conclusive functional and genetic evidence.

GeneDx
Classification: Uncertain significance. Last evaluated: 2025-04-23. Review status: criteria provided, single submitter. Criteria: GeneDx Variant Classification Process June 2021. Collection method: clinical testing. Allele origin: germline. Affected: yes.
Comment: Reported in the heterozygous state in a patient with hearing loss in the published literature (PMID: 38844983); In silico analysis supports that this missense variant has a deleterious effect on protein structure/function; In silico analysis suggests this variant may impact gene splicing. In the absence of RNA/functional studies, the actual effect of this sequence change is unknown.; This variant is associated with the following publications: (PMID: 38844983)

Ambry Genetics
Classification: Uncertain significance for Inborn genetic diseases. Last evaluated: 2024-06-04. Review status: criteria provided, single submitter. Criteria: Ambry Variant Classification Scheme 2023. Collection method: clinical testing. Allele origin: germline.

Labcorp Genetics (formerly Invitae), Labcorp
Classification: Uncertain significance. Last evaluated: 2022-07-19. Review status: criteria provided, single submitter. Criteria: Invitae Variant Classification Sherloc (09022015). Collection method: clinical testing. Allele origin: germline.
Comment: This sequence change replaces histidine, which is basic and polar, with tyrosine, which is neutral and polar, at codon 493 of the USH1C protein (p.His493Tyr). This variant is present in population databases (rs372227474, gnomAD 0.01%). This variant has not been reported in the literature in individuals affected with USH1C-related conditions. ClinVar contains an entry for this variant (Variation ID: 929922). Algorithms developed to predict the effect of missense changes on protein structure and function are either unavailable or do not agree on the potential impact of this missense change (SIFT: "Deleterious"; PolyPhen-2: "Probably Damaging"; Align-GVGD: "Class C0"). Algorithms developed to predict the effect of sequence changes on RNA splicing suggest that this variant may create or strengthen a splice site. In summary, the available evidence is currently insufficient to determine the role of this variant in disease. Therefore, it has been classified as a Variant of Uncertain Significance.

Fulgent Genetics
Classification: Uncertain significance for Usher syndrome type 1; Usher syndrome type 1C; Autosomal recessive nonsyndromic hearing loss 18A. Last evaluated: 2022-03-15. Review status: criteria provided, single submitter. Criteria: ACMG Guidelines, 2015. Collection method: clinical testing. Allele origin: unknown.

Laboratory for Molecular Medicine, Mass General Brigham Personalized Medicine
Classification: Uncertain significance. Last evaluated: 2019-05-21. Review status: criteria provided, single submitter. Criteria: LMM Criteria. Collection method: clinical testing. Allele origin: germline. Observed: 1 variant allele.
Comment: The p.His793Tyr variant in USH1C has not been previously reported in individuals with hearing loss or Usher syndrome, but has been identified in 0.01% (15/128058) of European chromosomes by gnomAD. Computational prediction tools and conservation analysis do not provide strong support for or against an impact to the protein. Splice prediction tools suggest that this variant may create a novel splice donor site; however, these tools are not predictive enough to determine pathogenicity. In summary, the clinical significance of this variant is uncertain. ACMG/AMP Criteria applied: PM2_Supporting.

Breakthrough Genomics
Classification: Uncertain significance. Review status: criteria provided, single submitter. Criteria: ACMG Guidelines, 2015. Collection method: not provided. Allele origin: germline. Inheritance: Autosomal recessive inheritance. Affected: yes.

Institute of Human Genetics, Univ. Regensburg, Univ. Regensburg
Classification: Uncertain significance for Retinal dystrophy. Last evaluated: 2022-01-01. Review status: no assertion criteria provided. Criteria: ACMG Guidelines, 2015. Collection method: clinical testing. Allele origin: germline. Affected: yes. Not counted in ClinVar's aggregate classification.

Natera, Inc.
Classification: Uncertain significance for Usher syndrome type 1C. Last evaluated: 2020-01-19. Review status: no assertion criteria provided. Collection method: clinical testing. Allele origin: germline. Not counted in ClinVar's aggregate classification.